The following is an entry in ClinVar:

NM_001081.4(CUBN):c.7291G>T (p.Val2431Phe)

Gene: CUBN (cubilin; minus strand). Cytogenetic location: 10p13.
Variant type: single nucleotide variant.
Coding change: c.7291G>T on transcript NM_001081.4 (MANE Select); coding-DNA position 7291, G replaced by T.
Protein change: p.Val2431Phe; replaces valine 2431 with phenylalanine.
Molecular consequence: missense variant.
Genome position (GRCh38, 1-based): chr10:16,915,092, C>A on the plus strand (G>T on the coding strand, the complement: CUBN is on the minus strand). VCF-style: chr10-16915092-C-A. GRCh37 (hg19) VCF-style: chr10-16957091-C-A.
Other names: short protein forms V2431F.
Identifiers: ClinVar variation 1906624 (VCV001906624.6), dbSNP rs2491430608, ClinGen allele CA376145541.
Genomic context (GRCh38, chr10:16,915,092, plus strand): 5'-CTTCCATACTGGATTCAAATCGCAGTCTGAATCCTGAGGCAGTCACAGAGCCGTCTGTGA[C>A]AAACCTGACCACAGCAGTATTGCTAGAAGTGTCTATGCTGTCAGGAATGGTGTTTCCACA-3'
Protein context (NP_001072.2, residues 2421-2441): TSSNTAVVRF[Val2431Phe]TDGSVTASGF

ClinVar aggregate classification (germline): Uncertain significance. Review status: criteria provided, multiple submitters, no conflicts (2 of 4 stars). 2 submissions from 2 submitters: Uncertain significance (2). Last evaluated 2025-10-01.

Conditions:
Imerslund-Grasbeck syndrome. Also called: ENTEROCYTE COBALAMIN MALABSORPTION; ENTEROCYTE INTRINSIC FACTOR RECEPTOR, DEFECT OF; PERNICIOUS ANEMIA, JUVENILE, DUE TO SELECTIVE INTESTINAL MALABSORPTION OF VITAMIN B12, WITH PROTEINURIA; Megaloblastic anemia due to inborn errors of metabolism; Imerslund-Gräsbeck syndrome. Identifiers: Orphanet 35858, MedGen C4551825, MONDO:0009853.
Inborn genetic diseases. Identifiers: MedGen C0950123, MeSH D030342.

Allele frequency attached by ClinVar (database versions not stated): gnomAD exomes below 0.00001.
gnomAD v4.1: 1 of 1,614,168 alleles (0.000062%); highest among the groups gnomAD compares: African/African-American, 0.0013%; no homozygotes.

Submissions (2):

Labcorp Genetics (formerly Invitae), Labcorp
Classification: Uncertain significance for Imerslund-Grasbeck syndrome. Last evaluated: 2025-10-01. Review status: criteria provided, single submitter. Criteria: Invitae Variant Classification Sherloc (09022015). Collection method: clinical testing. Allele origin: germline.
Comment: This sequence change replaces valine, which is neutral and non-polar, with phenylalanine, which is neutral and non-polar, at codon 2431 of the CUBN protein (p.Val2431Phe). This variant is not present in population databases (gnomAD no frequency). This variant has not been reported in the literature in individuals affected with CUBN-related conditions. ClinVar contains an entry for this variant (Variation ID: 1906624). Invitae Evidence Modeling of protein sequence and biophysical properties (such as structural, functional, and spatial information, amino acid conservation, physicochemical variation, residue mobility, and thermodynamic stability) indicates that this missense variant is not expected to disrupt CUBN protein function with a negative predictive value of 80%. In summary, the available evidence is currently insufficient to determine the role of this variant in disease. Therefore, it has been classified as a Variant of Uncertain Significance.

Ambry Genetics
Classification: Uncertain significance for Inborn genetic diseases. Last evaluated: 2022-08-02. Review status: criteria provided, single submitter. Criteria: Ambry Variant Classification Scheme 2023. Collection method: clinical testing. Allele origin: germline.